The following is an entry in ClinVar:

NM_053025.4(MYLK):c.4367C>A (p.Thr1456Asn)

Gene: MYLK (myosin light chain kinase; minus strand). Cytogenetic location: 3q21.1.
Variant type: single nucleotide variant.
Coding change: c.4367C>A on transcript NM_053025.4 (MANE Select); coding-DNA position 4367, C replaced by A.
Protein change: p.Thr1456Asn; replaces threonine 1456 with asparagine.
Molecular consequence: missense variant.
Genome position (GRCh38, 1-based): chr3:123,649,019, G>T on the plus strand (C>A on the coding strand, the complement: MYLK is on the minus strand). VCF-style: chr3-123649019-G-T. GRCh37 (hg19) VCF-style: chr3-123367866-G-T.
Other names: c.3839C>A, p.Thr1280Asn (NM_001321309.2); c.4160C>A, p.Thr1387Asn (NM_053026.4, NM_053028.4); c.4367C>A, p.Thr1456Asn (NM_053027.4); short protein forms T1456N, T1387N, T1280N.
Identifiers: ClinVar variation 520003 (VCV000520003.5), dbSNP rs1553781315, ClinGen allele CA354227523.
Genomic context (GRCh38, chr3:123,649,019, plus strand): 5'-CACTCCACTTACGATCCTAATCTCTCCTCAATGTCGTAGAAGTCAGATACTTTTTGTTCA[G>T]TATTGATTGTCACTGTCCGGTAATCAACCTCGGGCTCCTTCTCATCTGTGGGGCACAGGT-3'
Protein context (NP_444253.3, residues 1446-1466): EVDYRTVTIN[Thr1456Asn]EQKVSDFYDI

ClinVar aggregate classification (germline): Uncertain significance (1 of 4 stars; one submission).

Conditions:
Familial thoracic aortic aneurysm and aortic dissection (TAAD). Also called: Thoracic aortic aneurysms and dissections. Identifiers: Orphanet 91387, MedGen C4707243, MONDO:0019625.

Submission:

Ambry Genetics
Classification: Uncertain significance for Familial thoracic aortic aneurysm and aortic dissection. Last evaluated: 2017-03-07. Review status: criteria provided, single submitter. Criteria: Ambry Variant Classification Scheme 2023. Collection method: clinical testing. Allele origin: germline.
Comment: The p.T1456N variant (also known as c.4367C>A), located in coding exon 23 of the MYLK gene, results from a C to A substitution at nucleotide position 4367, and is located in an actin-binding domain. The threonine at codon 1456 is replaced by asparagine, an amino acid with similar properties. This amino acid position is well conserved in available vertebrate species. In addition, this alteration is predicted to be tolerated by in silico analysis. Since supporting evidence is limited at this time, the clinical significance of this alteration remains unclear.